The following is an entry in ClinVar:

ClinVar aggregate classification (germline): Likely pathogenic (1 of 4 stars; one submission).

Conditions:
Telangiectasia, hereditary hemorrhagic, type 2 (HHT2). Also called: ACVRL1-Related Hereditary Hemorrhagic Telangiectasia; Telangiectasia, hereditary hemorrhagic, type II. Identifiers: Orphanet 774, MedGen C1838163, MONDO:0010880, OMIM 600376. Disease mechanism: loss of function.

Submission:

Labcorp Genetics (formerly Invitae), Labcorp
Classification: Likely pathogenic for Telangiectasia, hereditary hemorrhagic, type 2. Last evaluated: 2023-08-08. Review status: criteria provided, single submitter. Criteria: Invitae Variant Classification Sherloc (09022015). Collection method: clinical testing. Allele origin: germline.
Comment: This variant is not present in population databases (gnomAD no frequency). In summary, the currently available evidence indicates that the variant is pathogenic, but additional data are needed to prove that conclusively. Therefore, this variant has been classified as Likely Pathogenic. This variant disrupts the p.Arg374 amino acid residue in ACVRL1. Other variant(s) that disrupt this residue have been determined to be pathogenic (PMID: 9245985, 12700602, 18285823, 20501893, 21158752, 22991266, 23722869, 25970827). This suggests that this residue is clinically significant, and that variants that disrupt this residue are likely to be disease-causing. Advanced modeling of protein sequence and biophysical properties (such as structural, functional, and spatial information, amino acid conservation, physicochemical variation, residue mobility, and thermodynamic stability) performed at Invitae indicates that this missense variant is expected to disrupt ACVRL1 protein function. ClinVar contains an entry for this variant (Variation ID: 533351). This missense change has been observed in individual(s) with clinical features of hereditary hemorrhagic telangiectasia (Invitae). This sequence change replaces arginine, which is basic and polar, with proline, which is neutral and non-polar, at codon 374 of the ACVRL1 protein (p.Arg374Pro).

Literature cited by the submitters: PubMed 9245985; PubMed 12700602; PubMed 18285823; PubMed 20501893; PubMed 21158752; PubMed 22991266; PubMed 23722869; PubMed 25970827.

NM_000020.3(ACVRL1):c.1121G>C (p.Arg374Pro)

Gene: ACVRL1 (activin A receptor like type 1; plus strand). Cytogenetic location: 12q13.13.
Variant type: single nucleotide variant.
Coding change: c.1121G>C on transcript NM_000020.3 (MANE Select); coding-DNA position 1121, G replaced by C.
Protein change: p.Arg374Pro; replaces arginine 374 with proline.
Molecular consequence: missense variant.
Genome position (GRCh38, 1-based): chr12:51,916,108, G>C. VCF-style: chr12-51916108-G-C. GRCh37 (hg19) VCF-style: chr12-52309892-G-C.
Other names: c.1121G>C, p.Arg374Pro (NM_001077401.2); short protein forms R374P.
Identifiers: ClinVar variation 533351 (VCV000533351.4), dbSNP rs1060503248, ClinGen allele CA384902407.